The following is an entry in ClinVar:

NM_002485.5(NBN):c.1873G>A (p.Glu625Lys)

Genes: NBN (nibrin; minus strand), LOC126860438 (MED14-independent group 3 enhancer GRCh37_chr8:90959982-90961181; plus strand). Cytogenetic location: 8q21.3.
Variant type: single nucleotide variant.
Coding change: c.1873G>A on transcript NM_002485.5 (MANE Select); coding-DNA position 1873, G replaced by A.
Protein change: p.Glu625Lys; replaces glutamic acid 625 with lysine.
Molecular consequence: missense variant.
Genome position (GRCh38, 1-based): chr8:89,947,865, C>T on the plus strand (G>A on the coding strand, the complement: NBN is on the minus strand). VCF-style: chr8-89947865-C-T. GRCh37 (hg19) VCF-style: chr8-90960093-C-T.
Other names: c.1627G>A, p.Glu543Lys (NM_001024688.3); short protein forms E625K, E543K.
Identifiers: ClinVar variation 411774 (VCV000411774.18), dbSNP rs369049359, ClinGen allele CA16612359.

ClinVar aggregate classification (germline): Uncertain significance. Review status: criteria provided, multiple submitters, no conflicts (2 of 4 stars). 5 submissions from 5 submitters: Uncertain significance (4). 1 of the submissions does not count toward it. Last evaluated 2023-08-02.

Conditions:
Hereditary cancer-predisposing syndrome. Also called: Hereditary neoplastic syndrome; Neoplastic Syndromes, Hereditary; Tumor predisposition; Hereditary Cancer Syndrome. Identifiers: Orphanet 140162, MedGen C0027672, MeSH D009386, MONDO:0015356.
Microcephaly, normal intelligence and immunodeficiency (NBS). Also called: IMMUNODEFICIENCY, MICROCEPHALY, AND CHROMOSOMAL INSTABILITY; SEEMANOVA SYNDROME II; Immunodeficiency, microcephaly with normal intelligence; Ataxia telangiectasia variant V1; Nijmegen breakage syndrome; Microcephaly with normal intelligence immunodeficiency and lymphoreticular malignancies. Identifiers: Orphanet 647, MedGen C0398791, MONDO:0009623, OMIM 251260.

Allele frequency attached by ClinVar (database versions not stated): gnomAD exomes 0.00001; TOPMed 0.00001; ESP Exome Variant Server 0.00008.

Submissions (5):

Ambry Genetics
Classification: Uncertain significance for Hereditary cancer-predisposing syndrome. Last evaluated: 2023-08-02. Review status: criteria provided, single submitter. Criteria: Ambry Variant Classification Scheme 2023. Collection method: clinical testing. Allele origin: germline.
Comment: The p.E625K variant (also known as c.1873G>A), located in coding exon 12 of the NBN gene, results from a G to A substitution at nucleotide position 1873. The glutamic acid at codon 625 is replaced by lysine, an amino acid with similar properties. This amino acid position is well conserved in available vertebrate species. In addition, this alteration is predicted to be tolerated by in silico analysis. Since supporting evidence is limited at this time, the clinical significance of this alteration remains unclear.

Genome-Nilou Lab
Classification: Uncertain significance for Microcephaly, normal intelligence and immunodeficiency. Last evaluated: 2021-11-07. Review status: criteria provided, single submitter. Criteria: ACMG Guidelines, 2015. Collection method: clinical testing. Allele origin: germline. Affected: no.

Color Diagnostics, LLC DBA Color Health
Classification: Uncertain significance for Hereditary cancer-predisposing syndrome. Last evaluated: 2019-04-10. Review status: criteria provided, single submitter. Criteria: ACMG Guidelines, 2015. Collection method: clinical testing. Allele origin: germline.

Labcorp Genetics (formerly Invitae), Labcorp
Classification: Uncertain significance for Microcephaly, normal intelligence and immunodeficiency. Last evaluated: 2017-07-12. Review status: criteria provided, single submitter. Criteria: Invitae Variant Classification Sherloc (09022015). Collection method: clinical testing. Allele origin: germline.
Comment: This sequence change replaces glutamic acid with lysine at codon 625 of the NBN protein (p.Glu625Lys). The glutamic acid residue is moderately conserved and there is a small physicochemical difference between glutamic acid and lysine. This variant has not been reported in the literature in individuals with NBN-related disease. ClinVar contains an entry for this variant (Variation ID: 411774). This variant is not present in population databases (ExAC no frequency). In summary, the available evidence is currently insufficient to determine the role of this variant in disease. Therefore, it has been classified as a Variant of Uncertain Significance. Algorithms developed to predict the effect of missense changes on protein structure and function (SIFT, PolyPhen-2, Align-GVGD) all suggest that this variant is likely to be tolerated, but these predictions have not been confirmed by published functional studies and their clinical significance is uncertain.

Counsyl
Classification: Uncertain significance for Microcephaly, normal intelligence and immunodeficiency. Last evaluated: 2018-03-30. Review status: no assertion criteria provided. Collection method: clinical testing. Allele origin: unknown. Not counted in ClinVar's aggregate classification.